The following is an entry in ClinVar:

ClinVar aggregate classification (germline): Uncertain significance. Review status: reviewed by expert panel (3 of 4 stars). 3 submissions from 3 submitters: Uncertain significance (1). 2 of the submissions do not count toward it. Last evaluated 2024-09-09.

Conditions:
Mitochondrial disease. Also called: Mitochondrial disorder; Mitochondrial disorders. Identifiers: Orphanet 68380, MedGen C0751651, MeSH D028361, MONDO:0044970.
MELAS syndrome (MELAS). Also called: Juvenile myopathy, encephalopathy, lactic acidosis, stroke. Identifiers: Orphanet 550, MedGen C0162671, MONDO:0010789, OMIM 540000.

Submissions (3):

ClinGen Mitochondrial Disease Nuclear and Mitochondrial  Variant Curation Expert Panel, ClinGen
Classification: Uncertain significance for Mitochondrial disease. Last evaluated: 2024-09-09. Review status: reviewed by expert panel. Criteria: clingen mito disease acmg specifications v1-1. Collection method: curation. Allele origin: germline. Inheritance: Mitochondrial inheritance.
Comment: The m.1659T>C variant in MT-TV has been reported in two individuals with primary mitochondrial disease to date (PS4_supporting; PMIDs: 15465092, 38973423). The first case, reported in 2004, had hemiplegia, a movement disorder, learning difficulty, and elevated cerebrospinal fluid lactate level. The variant was present at 98% heteroplasmy in muscle, 98% in lymphocytes, 99% in buccal epithelia, and 99% in urine epithelia. The variant was present at lower heteroplasmy levels in the healthy mother (7% blood, 19% buccal; PMID: 15465092). This variant was also reported in a cohort of individuals with primary mitochondrial disease in 2020 however clinical details were not provided precluding consideration of this case in this curation (PMID: 31965079). He also had longstanding hearing loss. Brain imaging showed a hyperintense cortical/subcortical signal change in the right temporal lobe and cerebellar atrophy. The variant was present at 91% heteroplasmy in muscle (PMID: 38973423). There are no other families or de novo occurrences of this variant reported to our knowledge. This variant is absent in MITOMAP and gnomAD v3.1.2. There are four occurrences in the Helix dataset. Combining all datasets, this variant is present at 0.00128% (PM2_supporting). In silico predictors are conflicting as the computational predictor MitoTIP suggests this variant is pathogenic (65.8 percentile) but HmtVAR predicts it to be neutral with a score of 0.3. There are no cybrids, single fiber studies, or other functional assays reported on this variant. In summary, this variant meets criteria to be classified as uncertain significance for primary mitochondrial disease inherited in a mitochondrial manner. This classification was approved by the NICHD/NINDS U24 ClinGen Mitochondrial Disease Variant Curation Expert Panel on September 9, 2024. Mitochondrial DNA-specific ACMG/AMP criteria applied (PMID: 32906214): PM2_supporting, PS4_supporting.

Mendelics
Classification: Pathogenic for MELAS syndrome. Last evaluated: 2022-05-04. Review status: criteria provided, single submitter. Criteria: Mendelics Assertion Criteria 2019. Collection method: clinical testing. Allele origin: germline. Not counted in ClinVar's aggregate classification.

Wong Mito Lab, Molecular and Human Genetics, Baylor College of Medicine
Classification: Likely pathogenic for MELAS syndrome. Last evaluated: 2019-07-12. Review status: criteria provided, single submitter. Criteria: Modified ACMG Guidelines (Unpublished). Collection method: clinical testing. Allele origin: germline. Not counted in ClinVar's aggregate classification.
Comment: The NC_012920.1:m.1659T>C variant in MT-TV gene is interpreted to be a Likely Pathogenic variant based on the modified ACMG guidelines (unpublished). This variant meets the following evidence codes reported in the guidelines: PM8, PM9, PP3, PP6

Literature cited by the submitters: PubMed 31965079 (cited by Wong Mito Lab, Molecular and Human Genetics, Baylor College of Medicine); PubMed 15465092 (cited by Wong Mito Lab, Molecular and Human Genetics, Baylor College of Medicine).

NC_012920.1(MT-TV):m.1659T>C

Gene: MT-TV (mitochondrially encoded tRNA valine; plus strand).
Variant type: single nucleotide variant.
Genome position: chrM-1659-T-C.
Identifiers: ClinVar variation 689852 (VCV000689852.2), dbSNP rs1603218609, ClinGen allele CA913163445.